The following is an entry in ClinVar:

ClinVar aggregate classification (germline): Uncertain significance. Review status: criteria provided, multiple submitters, no conflicts (2 of 4 stars). 2 submissions from 2 submitters: Uncertain significance (2). Last evaluated 2025-02-17.

Conditions:
Noonan syndrome (NS). Also called: Noonan's syndrome. Identifiers: Orphanet 648, MedGen C0028326, MeSH D009634, MONDO:0018997. Disease mechanism: gain of function.

Submissions (2):

Women's Health and Genetics/Laboratory Corporation of America, LabCorp
Classification: Uncertain significance. Last evaluated: 2025-02-17. Review status: criteria provided, single submitter. Criteria: LabCorp Variant Classification Summary - May 2015. Collection method: clinical testing. Allele origin: germline.
Comment: Variant summary: RRAS c.12_13delinsAA (p.Ala5Thr) results in a non-conservative amino acid change in the encoded protein sequence. Three of five in-silico tools predict a damaging effect of the variant on protein function. The variant was absent in 31248 control chromosomes. The available data on variant occurrences in the general population are insufficient to allow any conclusion about variant significance. To our knowledge, no occurrence of c.12_13delinsAA in individuals affected with Noonan Syndrome And Related Conditions and no experimental evidence demonstrating its impact on protein function have been reported. ClinVar contains an entry for this variant (Variation ID: 2194767). Based on the evidence outlined above, the variant was classified as uncertain significance.

Labcorp Genetics (formerly Invitae), Labcorp
Classification: Uncertain significance for Noonan syndrome. Last evaluated: 2022-03-10. Review status: criteria provided, single submitter. Criteria: Invitae Variant Classification Sherloc (09022015). Collection method: clinical testing. Allele origin: germline.
Comment: This sequence change replaces alanine, which is neutral and non-polar, with threonine, which is neutral and polar, at codon 5 of the RRAS protein (p.Ala5Thr). In summary, the available evidence is currently insufficient to determine the role of this variant in disease. Therefore, it has been classified as a Variant of Uncertain Significance. Experimental studies and prediction algorithms are not available or were not evaluated, and the functional significance of this variant is currently unknown. This variant has not been reported in the literature in individuals affected with RRAS-related conditions. Information on the frequency of this variant in the gnomAD database is not available, as this variant may be reported differently in the database.

NM_006270.5(RRAS):c.12_13delinsAA (p.Ala5Thr)

Gene: RRAS (RAS related; minus strand). Cytogenetic location: 19q13.33.
Variant type: Indel.
Coding change: c.12_13delinsAA on transcript NM_006270.5 (MANE Select); coding-DNA positions 12 to 13, GG replaced by AA.
Protein change: p.Ala5Thr; replaces alanine 5 with threonine.
Molecular consequence: missense variant.
Genome position (GRCh38, 1-based): chr19:49,640,086-49,640,087, CC replaced by TT on the plus strand (GG replaced by AA on the coding strand, the reverse complement: RRAS is on the minus strand). VCF-style: chr19-49640086-CC-TT. GRCh37 (hg19) VCF-style: chr19-50143343-CC-TT.
Other names: short protein forms A5T.
Identifiers: ClinVar variation 2194767 (VCV002194767.5), dbSNP rs2513709876, ClinGen allele CA2580097573.
Genomic context (GRCh38, chr19:49,640,086, plus strand): 5'-GGGGGTCCCCGGGCCCAGGTCCCCCGCCCCGGGGCCGCCCCCGCCCTGTCCCGGACGCCG[CC>TT]CCGCTGCTCATGTCGCCACCGCTGCTGCTGCCTTCGCTACCGCCTGCGGGGGAGCCGGGC-3'
Protein context (NP_006261.1, residues 1-15): MSSG[Ala5Thr]ASGTGRGRPR